The following is an entry in ClinVar:

NM_007289.4(MME):c.1519T>A (p.Tyr507Asn)

Gene: MME (membrane metalloendopeptidase; plus strand). Cytogenetic location: 3q25.2.
Variant type: single nucleotide variant.
Coding change: c.1519T>A on transcript NM_007289.4 (MANE Select); coding-DNA position 1519, T replaced by A.
Protein change: p.Tyr507Asn; replaces tyrosine 507 with asparagine.
Molecular consequence: missense variant.
Genome position (GRCh38, 1-based): chr3:155,148,571, T>A. VCF-style: chr3-155148571-T-A. GRCh37 (hg19) VCF-style: chr3-154866360-T-A.
Other names: c.1519T>A, p.Tyr507Asn (NM_000902.5, NM_001354642.2, NM_001354643.1 and 2 more transcripts); short protein forms Y507N.
Identifiers: ClinVar variation 1915972 (VCV001915972.5), dbSNP rs199564448, ClinGen allele CA85833810.
Genomic context (GRCh38, chr3:155,148,571, plus strand): 5'-GGTTTTAATATTTCTTCCCAAATCTTCTTTATAATACAGTTGAACTACAAAGAAGATGAA[T>A]ACTTCGAGAACATAATTCAAAATTTGAAATTCAGCCAAAGTAAACAACTGAAGAAGCTCC-3'
Protein context (NP_009220.2, residues 497-517): YLELNYKEDE[Tyr507Asn]FENIIQNLKF

ClinVar aggregate classification (germline): Uncertain significance (1 of 4 stars; one submission).

Submission:

Labcorp Genetics (formerly Invitae), Labcorp
Classification: Uncertain significance. Last evaluated: 2022-10-11. Review status: criteria provided, single submitter. Criteria: Invitae Variant Classification Sherloc (09022015). Collection method: clinical testing. Allele origin: germline.
Comment: In summary, the available evidence is currently insufficient to determine the role of this variant in disease. Therefore, it has been classified as a Variant of Uncertain Significance. Advanced modeling of protein sequence and biophysical properties (such as structural, functional, and spatial information, amino acid conservation, physicochemical variation, residue mobility, and thermodynamic stability) performed at Invitae indicates that this missense variant is expected to disrupt MME protein function. This variant has not been reported in the literature in individuals affected with MME-related conditions. This variant is not present in population databases (gnomAD no frequency). This sequence change replaces tyrosine, which is neutral and polar, with asparagine, which is neutral and polar, at codon 507 of the MME protein (p.Tyr507Asn).